The following is an entry in ClinVar:

ClinVar aggregate classification (germline): Uncertain significance. Review status: criteria provided, multiple submitters, no conflicts (2 of 4 stars). 3 submissions from 3 submitters: Uncertain significance (3). Last evaluated 2026-01-18.

Conditions:
Melanoma, cutaneous malignant, susceptibility to, 8. Also called: Cutaneous malignant melanoma 8; MELANOMA AND RENAL CELL CARCINOMA, SUSCEPTIBILITY TO. Identifiers: Orphanet 293822, MedGen C3152204, MONDO:0013759, OMIM 614456.
Tietz syndrome (TADS). Also called: TIETZ ALBINISM-DEAFNESS SYNDROME; HYPOPIGMENTATION/DEAFNESS OF TIETZ; ALBINISM-DEAFNESS OF TIETZ. Identifiers: Orphanet 42665, MedGen C0391816, MONDO:0007077, OMIM 103500.
Waardenburg syndrome type 2A (WS2A). Also called: WAARDENBURG SYNDROME WITHOUT DYSTOPIA CANTHORUM. Identifiers: Orphanet 3440, MedGen C1860339, MONDO:0008671, OMIM 193510.
Hereditary cancer-predisposing syndrome. Also called: Neoplastic Syndromes, Hereditary; Hereditary Cancer Syndrome; Hereditary neoplastic syndrome; Tumor predisposition. Identifiers: Orphanet 140162, MedGen C0027672, MeSH D009386, MONDO:0015356.

Allele frequency attached by ClinVar (database versions not stated): TOPMed below 0.00001; gnomAD 0.00001; ExAC 0.00002; gnomAD exomes 0.00002; 1000 Genomes Project 30x 0.00016; 1000 Genomes Project 0.00020.
gnomAD v4.1: 12 of 1,613,766 alleles (0.00074%); highest among the groups gnomAD compares: Admixed American, 0.017%; no homozygotes.

Submissions (3):

Labcorp Genetics (formerly Invitae), Labcorp
Classification: Uncertain significance for Melanoma, cutaneous malignant, susceptibility to, 8; Waardenburg syndrome type 2A; Tietz syndrome. Last evaluated: 2026-01-18. Review status: criteria provided, single submitter. Criteria: Invitae Variant Classification Sherloc (09022015). Collection method: clinical testing. Allele origin: germline.
Comment: This sequence change replaces proline, which is neutral and non-polar, with alanine, which is neutral and non-polar, at codon 166 of the MITF protein (p.Pro166Ala). This variant is present in population databases (rs201810369, gnomAD 0.01%). This variant has not been reported in the literature in individuals affected with MITF-related conditions. ClinVar contains an entry for this variant (Variation ID: 2047039). Invitae Evidence Modeling of protein sequence and biophysical properties (such as structural, functional, and spatial information, amino acid conservation, physicochemical variation, residue mobility, and thermodynamic stability) indicates that this missense variant is not expected to disrupt MITF protein function with a negative predictive value of 80%. In summary, the available evidence is currently insufficient to determine the role of this variant in disease. Therefore, it has been classified as a Variant of Uncertain Significance.

Ambry Genetics
Classification: Uncertain significance for Hereditary cancer-predisposing syndrome. Last evaluated: 2024-11-28. Review status: criteria provided, single submitter. Criteria: Ambry Variant Classification Scheme 2023. Collection method: clinical testing. Allele origin: germline.
Comment: The p.P166A variant (also known as c.496C>G), located in coding exon 5 of the MITF gene, results from a C to G substitution at nucleotide position 496. The proline at codon 166 is replaced by alanine, an amino acid with highly similar properties. This amino acid position is conserved. In addition, this alteration is predicted to be tolerated by in silico analysis. Based on the available evidence, the clinical significance of this variant remains unclear.

GeneDx
Classification: Uncertain significance. Last evaluated: 2023-02-10. Review status: criteria provided, single submitter. Criteria: GeneDx Variant Classification Process June 2021. Collection method: clinical testing. Allele origin: germline. Affected: yes.
Comment: In silico analysis supports that this missense variant has a deleterious effect on protein structure/function; Has not been previously published as pathogenic or benign to our knowledge

NM_001354604.2(MITF):c.817C>G (p.Pro273Ala)

Gene: MITF (melanocyte inducing transcription factor; plus strand). Cytogenetic location: 3p13.
Variant type: single nucleotide variant.
Coding change: c.817C>G on transcript NM_001354604.2 (MANE Select); coding-DNA position 817, C replaced by G.
Protein change: p.Pro273Ala; replaces proline 273 with alanine.
Molecular consequence: missense variant.
Genome position (GRCh38, 1-based): chr3:69,949,105, C>G. VCF-style: chr3-69949105-C-G. GRCh37 (hg19) VCF-style: chr3-69998256-C-G.
Other names: c.496C>G, p.Pro166Ala (NM_000248.4, NM_198158.3); c.661C>G, p.Pro221Ala (NM_001184967.2, NM_001354608.2); c.814C>G, p.Pro272Ala (NM_001354605.2, NM_001354606.2, NM_006722.3); c.766C>G, p.Pro256Ala (NM_001354607.2); c.817C>G, p.Pro273Ala (NM_198159.3); c.769C>G, p.Pro257Ala (NM_198177.3); c.328C>G, p.Pro110Ala (NM_198178.3); short protein forms P221A, P256A, P272A, P273A, P110A, P166A, P257A.
Identifiers: ClinVar variation 2047039 (VCV002047039.6), dbSNP rs201810369, ClinGen allele CA2490481.